The following is an entry in ClinVar:

NM_177438.3(DICER1):c.2785G>T (p.Asp929Tyr)

Gene: DICER1 (dicer 1, ribonuclease III; minus strand). Cytogenetic location: 14q32.13.
Variant type: single nucleotide variant.
Coding change: c.2785G>T on transcript NM_177438.3 (MANE Select); coding-DNA position 2785, G replaced by T.
Protein change: p.Asp929Tyr; replaces aspartic acid 929 with tyrosine.
Molecular consequence: missense variant. On other transcripts: non-coding transcript variant (6).
Genome position (GRCh38, 1-based): chr14:95,107,627, C>A on the plus strand (G>T on the coding strand, the complement: DICER1 is on the minus strand). VCF-style: chr14-95107627-C-A. GRCh37 (hg19) VCF-style: chr14-95573964-C-A.
Other names: c.2785G>T, p.Asp929Tyr (NM_001195573.1, NM_001271282.3, NM_001291628.2 and 13 more transcripts); c.2503G>T, p.Asp835Tyr (NM_001395686.1); c.2380G>T, p.Asp794Tyr (NM_001395687.1, NM_001395688.1, NM_001395689.1 and 2 more transcripts); c.2218G>T, p.Asp740Tyr (NM_001395691.1); c.1102G>T, p.Asp368Tyr (NM_001395697.1); short protein forms D929Y, D740Y, D835Y, D368Y, D794Y.
Identifiers: ClinVar variation 2566228 (VCV002566228.2), dbSNP rs2140018520, ClinGen allele CA390879439.

ClinVar aggregate classification (germline): Uncertain significance (1 of 4 stars; one submission).

Conditions:
Hereditary cancer-predisposing syndrome. Also called: Neoplastic Syndromes, Hereditary; Hereditary Cancer Syndrome; Hereditary neoplastic syndrome; Tumor predisposition. Identifiers: Orphanet 140162, MedGen C0027672, MeSH D009386, MONDO:0015356.

Submission:

Ambry Genetics
Classification: Uncertain significance for Hereditary cancer-predisposing syndrome. Last evaluated: 2023-06-09. Review status: criteria provided, single submitter. Criteria: Ambry Variant Classification Scheme 2023. Collection method: clinical testing. Allele origin: germline.
Comment: The p.D929Y variant (also known as c.2785G>T), located in coding exon 16 of the DICER1 gene, results from a G to T substitution at nucleotide position 2785. The aspartic acid at codon 929 is replaced by tyrosine, an amino acid with highly dissimilar properties. This amino acid position is conserved. In addition, the in silico prediction for this alteration is inconclusive. Since supporting evidence is limited at this time, the clinical significance of this alteration remains unclear.